The following is an entry in ClinVar:

ClinVar aggregate classification (germline): Likely benign. Review status: criteria provided, multiple submitters, no conflicts (2 of 4 stars). 3 submissions from 3 submitters: Likely benign (3). Last evaluated 2025-11-13.

Conditions:
DCHS1-related disorder. Also called: DCHS1-related condition.

Allele frequency attached by ClinVar (database versions not stated): gnomAD exomes 0.00001; gnomAD 0.00002; TOPMed 0.00003.
gnomAD v4.1: 15 of 1,611,888 alleles (0.00093%); highest among the groups gnomAD compares: Middle Eastern, 0.016%; no homozygotes.

Submissions (3):

PreventionGenetics, part of Exact Sciences
Classification: Likely benign for DCHS1-related condition. Last evaluated: 2025-11-13. Review status: criteria provided, single submitter. Criteria: ACMG Guidelines, 2015. Collection method: clinical testing. Allele origin: germline.
Comment: This variant is classified as likely benign based on ACMG/AMP sequence variant interpretation guidelines (Richards et al. 2015 PMID: 25741868, with internal and published modifications).

Labcorp Genetics (formerly Invitae), Labcorp
Classification: Likely benign. Last evaluated: 2025-01-23. Review status: criteria provided, single submitter. Criteria: Invitae Variant Classification Sherloc (09022015). Collection method: clinical testing. Allele origin: germline.

CeGaT Center for Human Genetics Tuebingen
Classification: Likely benign. Last evaluated: 2024-07-01. Review status: criteria provided, single submitter. Criteria: CeGaT Center For Human Genetics Tuebingen Variant Classification Criteria Version 2. Collection method: clinical testing. Allele origin: germline. Affected: yes. Observed: 1 variant allele.
Comment: DCHS1: BP4, BP7

NM_003737.4(DCHS1):c.8133C>T (p.Leu2711=)

Gene: DCHS1 (dachsous cadherin-related 1; minus strand). Cytogenetic location: 11p15.4.
Variant type: single nucleotide variant.
Coding change: c.8133C>T on transcript NM_003737.4 (MANE Select); coding-DNA position 8133, C replaced by T.
Protein change: p.Leu2711=; no amino-acid change (leucine 2711 retained).
Molecular consequence: synonymous variant.
Genome position (GRCh38, 1-based): chr11:6,623,543, G>A on the plus strand (C>T on the coding strand, the complement: DCHS1 is on the minus strand). VCF-style: chr11-6623543-G-A. GRCh37 (hg19) VCF-style: chr11-6644774-G-A.
Other names: c.8133C>T (NM_003737.3).
Identifiers: ClinVar variation 2195377 (VCV002195377.22), dbSNP rs930350686, ClinGen allele CA217329781.